The following is an entry in ClinVar:

ClinVar aggregate classification (germline): Benign. Review status: criteria provided, single submitter (1 of 4 stars). 3 submissions from 3 submitters: Benign (1). 2 of the submissions do not count toward it.

Conditions:
ZNF407-related disorder. Also called: ZNF407-related condition.

Allele frequency attached by ClinVar (database versions not stated): ESP Exome Variant Server 0.00015; gnomAD 0.00335; TOPMed 0.00573; 1000 Genomes Project 30x 0.01062; 1000 Genomes Project 0.01098.
gnomAD v4.1: 4,181 of 1,592,938 alleles (0.26%); highest among the groups gnomAD compares: Admixed American, 4.8%; 99 homozygotes.

Submissions (3):

Breakthrough Genomics
Classification: Benign. Review status: criteria provided, single submitter. Criteria: ACMG Guidelines, 2015. Collection method: not provided. Allele origin: germline. Inheritance: Autosomal recessive inheritance. Affected: yes.

PreventionGenetics, part of Exact Sciences
Classification: Benign for ZNF407-related condition. Last evaluated: 2020-10-10. Review status: no assertion criteria provided. Collection method: clinical testing. Allele origin: germline. Not counted in ClinVar's aggregate classification.
Comment: This variant is classified as benign based on ACMG/AMP sequence variant interpretation guidelines (Richards et al. 2015 PMID: 25741868, with internal and published modifications).

Genetic Services Laboratory, University of Chicago
Classification: Likely benign for AllHighlyPenetrant. Review status: no assertion criteria provided. Collection method: clinical testing. Allele origin: germline. Inheritance: Autosomal dominant inheritance. Not counted in ClinVar's aggregate classification.
Comment: Likely benign based on allele frequency in 1000 Genomes Project or ESP global frequency and its presence in a patient with a rare or unrelated disease phenotype. NOT Sanger confirmed.

NM_017757.3(ZNF407):c.6384G>A (p.Ala2128=)

Gene: ZNF407 (zinc finger protein 407; plus strand). Cytogenetic location: 18q22.3.
Variant type: single nucleotide variant.
Coding change: c.6384G>A on transcript NM_017757.3 (MANE Select); coding-DNA position 6384, G replaced by A.
Protein change: p.Ala2128=; no amino-acid change (alanine 2128 retained).
Molecular consequence: synonymous variant.
Genome position (GRCh38, 1-based): chr18:75,064,105, G>A. VCF-style: chr18-75064105-G-A. GRCh37 (hg19) VCF-style: chr18-72776061-G-A.
Other names: c.6384G>A, p.Ala2128= (NM_001384475.1).
Identifiers: ClinVar variation 130825 (VCV000130825.9), dbSNP rs138221111, ClinGen allele CA156129.